The following is an entry in ClinVar:

ClinVar aggregate classification (germline): Likely pathogenic (1 of 4 stars; one submission).

Conditions:
Nephronophthisis. Also called: Juvenile Nephronophthisis. Identifiers: Orphanet 655, MedGen C0687120, MONDO:0019005, HP:0000090.

Submission:

Labcorp Genetics (formerly Invitae), Labcorp
Classification: Likely pathogenic for Nephronophthisis. Last evaluated: 2022-03-02. Review status: criteria provided, single submitter. Criteria: Invitae Variant Classification Sherloc (09022015). Collection method: clinical testing. Allele origin: germline.
Comment: In summary, the currently available evidence indicates that the variant is pathogenic, but additional data are needed to prove that conclusively. Therefore, this variant has been classified as Likely Pathogenic. This variant disrupts a region of the NPHP4 protein in which other variant(s) (p.Ala654Gly) have been observed in individuals with NPHP4-related conditions (PMID: 15776426). This suggests that this is a clinically significant region of the protein, and that variants that disrupt it are likely to be disease-causing. This variant has not been reported in the literature in individuals affected with NPHP4-related conditions. This variant results in the deletion of exons 7-15 and part of exon 16 (c.673+4406_2004del) of the NPHP4 gene. It is expected to disrupt RNA splicing. Variants that disrupt the donor or acceptor splice site typically lead to a loss of protein function (PMID: 16199547), and loss-of-function variants in NPHP4 are known to be pathogenic (PMID: 12205563, 23559409).

Literature cited by the submitters: PubMed 15776426; PubMed 16199547; PubMed 12205563; PubMed 23559409.

NC_000001.10:g.(?_5964816)_(6017448_?)del

Gene: NPHP4 (nephrocystin 4; minus strand). Cytogenetic location: 1p36.31.
Variant type: Deletion.
Identifiers: ClinVar variation 1519789 (VCV001519789.5).